The following is an entry in ClinVar:

NM_006080.3(SEMA3A):c.987G>C (p.Thr329=)

Gene: SEMA3A (semaphorin 3A; minus strand). Cytogenetic location: 7q21.11.
Variant type: single nucleotide variant.
Coding change: c.987G>C on transcript NM_006080.3 (MANE Select); coding-DNA position 987, G replaced by C.
Protein change: p.Thr329=; no amino-acid change (threonine 329 retained).
Molecular consequence: synonymous variant.
Genome position (GRCh38, 1-based): chr7:84,011,030, C>G on the plus strand (G>C on the coding strand, the complement: SEMA3A is on the minus strand). VCF-style: chr7-84011030-C-G. GRCh37 (hg19) VCF-style: chr7-83640346-C-G.
Identifiers: ClinVar variation 3358801 (VCV003358801.1).

ClinVar aggregate classification (germline): Likely benign (0 of 4 stars; one submission).

Conditions:
SEMA3A-related disorder. Also called: SEMA3A-related condition.

gnomAD v4.1: 110 of 1,605,966 alleles (0.0068%); highest among the groups gnomAD compares: Non-Finnish European, 0.0059%; 1 homozygote.

Submission:

PreventionGenetics, part of Exact Sciences
Classification: Likely benign for SEMA3A-related condition. Last evaluated: 2022-08-10. Review status: no assertion criteria provided. Collection method: clinical testing. Allele origin: germline.
Comment: This variant is classified as likely benign based on ACMG/AMP sequence variant interpretation guidelines (Richards et al. 2015 PMID: 25741868, with internal and published modifications).